The following is an entry in ClinVar:

NM_138459.5(NUS1):c.119G>A (p.Cys40Tyr)

Gene: NUS1 (NUS1 dehydrodolichyl diphosphate synthase subunit; plus strand). Cytogenetic location: 6q22.1.
Variant type: single nucleotide variant.
Coding change: c.119G>A on transcript NM_138459.5 (MANE Select); coding-DNA position 119, G replaced by A.
Protein change: p.Cys40Tyr; replaces cysteine 40 with tyrosine.
Molecular consequence: missense variant.
Genome position (GRCh38, 1-based): chr6:117,675,789, G>A. VCF-style: chr6-117675789-G-A. GRCh37 (hg19) VCF-style: chr6-117996952-G-A.
Other names: short protein forms C40Y.
Identifiers: ClinVar variation 1878663 (VCV001878663.6), dbSNP rs759672395, ClinGen allele CA3977072.

ClinVar aggregate classification (germline): Uncertain significance. Review status: criteria provided, multiple submitters, no conflicts (2 of 4 stars). 2 submissions from 2 submitters: Uncertain significance (2). Last evaluated 2024-10-22.

Conditions:
Intellectual developmental disorder, autosomal dominant 55, with seizures. Also called: MENTAL RETARDATION, AUTOSOMAL DOMINANT 55, WITH SEIZURES; Intellectual disability, autosomal dominant 55, with seizures. Identifiers: MedGen C4693371, MONDO:0030921, OMIM 617831.
Congenital disorder of glycosylation, type Iaa. Also called: Congenital disorder of glycosylation, type 1aa. Identifiers: MedGen C4310727, MONDO:0014904, OMIM 617082.

Allele frequency attached by ClinVar (database versions not stated): gnomAD 0.00001; TOPMed 0.00001; ExAC 0.00020.
gnomAD v4.1: 25 of 1,561,364 alleles (0.0016%); highest among the groups gnomAD compares: South Asian, 0.018%; no homozygotes.

Submissions (2):

Labcorp Genetics (formerly Invitae), Labcorp
Classification: Uncertain significance for Congenital disorder of glycosylation, type Iaa. Last evaluated: 2024-10-22. Review status: criteria provided, single submitter. Criteria: Invitae Variant Classification Sherloc (09022015). Collection method: clinical testing. Allele origin: germline.
Comment: This sequence change replaces cysteine, which is neutral and slightly polar, with tyrosine, which is neutral and polar, at codon 40 of the NUS1 protein (p.Cys40Tyr). This variant is present in population databases (rs759672395, gnomAD 0.01%). This missense change has been observed in individual(s) with clinical features of developmental and epileptic encephalopathy (PMID: 36801247). ClinVar contains an entry for this variant (Variation ID: 1878663). An algorithm developed to predict the effect of missense changes on protein structure and function (PolyPhen-2) suggests that this variant is likely to be tolerated. In summary, the available evidence is currently insufficient to determine the role of this variant in disease. Therefore, it has been classified as a Variant of Uncertain Significance.

Neuberg Centre For Genomic Medicine, NCGM
Classification: Uncertain significance for Intellectual developmental disorder, autosomal dominant 55, with seizures. Review status: criteria provided, single submitter. Criteria: ACMG Guidelines, 2015. Collection method: clinical testing. Allele origin: germline. Affected: yes.
Comment: The missense variant p.C40Y in NUS1 (NM_138459.5) has not been reported previously as a pathogenic variant nor as a benign variant, to our knowledge. Although the variant is present at 0.0031% in gnomAD Exomes, it has the flag "Failed Random Forest" and may not represent the true population frequency. The p.C40Y variant is novel (not in any individuals) in 1000 Genomes. There is a large physicochemical difference between cysteine and tyrosine, which is likely to impact secondary protein structure as these residues differ in polarity, charge, size and/or other properties. In silico tools predict contradictory effects (SIFT-Tolerated, Polyphen-2- Damaging) and the residue is conserved across species. For these reasons, this variant has been classified as Uncertain Significance

Literature cited by the submitters: PubMed 36801247 (cited by Labcorp Genetics (formerly Invitae), Labcorp).